The following is an entry in ClinVar:

ClinVar aggregate classification (germline): Uncertain significance. Review status: criteria provided, multiple submitters, no conflicts (2 of 4 stars). 2 submissions from 2 submitters: Uncertain significance (2). Last evaluated 2025-06-27.

Conditions:
Cystic fibrosis (CF). Also called: MUCOVISCIDOSIS. Identifiers: Orphanet 586, MedGen C0010674, MONDO:0009061, OMIM 219700. Disease mechanism: loss of function.

Submissions (2):

Broad Center for Mendelian Genomics, Broad Institute of MIT and Harvard
Classification: Uncertain significance for Cystic fibrosis. Last evaluated: 2025-06-27. Review status: criteria provided, single submitter. Criteria: ACMG Guidelines, 2015. Collection method: curation. Allele origin: germline. Inheritance: Autosomal recessive inheritance. Study: GREGoR Consortium.
Comment: The p.Met1028Ile variant has not been previously reported in the literature in individuals with cystic fibrosis or pancreatic insufficiency, and was absent from large population studies. Computational prediction tools and conservation analyses suggest that this variant may impact the protein, though this information is not predictive enough to determine pathogenicity. In summary, the clinical significance of the p.Met1028Ile variant is uncertain. ACMG/AMP Criteria applied: PM2_supporting (Richards 2015).

Blueprint Genetics
Classification: Uncertain significance. Last evaluated: 2023-12-12. Review status: criteria provided, single submitter. Criteria: ACMG Guidelines, 2015. Collection method: clinical testing. Allele origin: germline.

NM_000492.4(CFTR):c.3084G>C (p.Met1028Ile)

Genes: CFTR (CF transmembrane conductance regulator; plus strand), CFTR-AS2 (CFTR antisense RNA 2; minus strand), LOC111674472 (DNase I hypersensitive sites in introns 16 and 17a of CFTR; plus strand). Cytogenetic location: 7q31.2.
Variant type: single nucleotide variant.
Coding change: c.3084G>C on transcript NM_000492.4 (MANE Select); coding-DNA position 3084, G replaced by C.
Protein change: p.Met1028Ile; replaces methionine 1028 with isoleucine.
Molecular consequence: missense variant.
Genome position (GRCh38, 1-based): chr7:117,610,614, G>C. VCF-style: chr7-117610614-G-C. GRCh37 (hg19) VCF-style: chr7-117250668-G-C.
Other names: NM_000492.4:c.3084G>C; short protein forms M1028I.
Identifiers: ClinVar variation 4070922 (VCV004070922.2).
Genomic context (GRCh38, chr7:117,610,614, plus strand): 5'-CGCAGTTTTACAACCCTACATCTTTGTTGCAACAGTGCCAGTGATAGTGGCTTTTATTAT[G>C]TTGAGAGCATATTTCCTCCAAACCTCACAGCAACTCAAACAACTGGAATCTGAAGGTATG-3'
Protein context (NP_000483.3, residues 1018-1038): ATVPVIVAFI[Met1028Ile]LRAYFLQTSQ